The following is an entry in ClinVar:

NM_001142800.2(EYS):c.8239T>G (p.Phe2747Val)

Genes: EYS (EGF-like photoreceptor maintenance factor; minus strand), PHF3 (PHD finger protein 3; plus strand). Cytogenetic location: 6q12.
Variant type: single nucleotide variant.
Coding change: c.8239T>G on transcript NM_001142800.2 (MANE Select); coding-DNA position 8239, T replaced by G.
Protein change: p.Phe2747Val; replaces phenylalanine 2747 with valine.
Molecular consequence: missense variant. On other transcripts: 3 prime UTR variant (5).
Genome position (GRCh38, 1-based): chr6:63,721,792, A>C on the plus strand (T>G on the coding strand, the complement: EYS is on the minus strand). VCF-style: chr6-63721792-A-C. GRCh37 (hg19) VCF-style: chr6-64431688-A-C.
Other names: c.*8084A>C (NM_001290259.2, NM_001370348.2, NM_001370349.2 and 2 more transcripts); c.8302T>G, p.Phe2768Val (NM_001292009.2); short protein forms F2747V, F2768V.
Identifiers: ClinVar variation 1065717 (VCV001065717.7), dbSNP rs1279860809, ClinGen allele CA364385445.
Genomic context (GRCh38, chr6:63,721,792, plus strand): 5'-TTCTGTCGCCAAGGTTGTAGCGAAGTTGAACGGAACTATTTACTAAAGAGATGCATAAAA[A>C]ATCACCTGCAAGAAAGCAAACAGTAAGTTTGATTAGCAACAGTAAAAGTTTCCATTGAAA-3'
Protein context (NP_001136272.1, residues 2737-2757): AQHLKAQSGD[Phe2747Val]LCISLVNSSV

ClinVar aggregate classification (germline): Uncertain significance. Review status: criteria provided, multiple submitters, no conflicts (2 of 4 stars). 4 submissions from 4 submitters: Uncertain significance (4). Last evaluated 2023-05-30.

Conditions:
Retinitis pigmentosa 25 (RP25). Identifiers: Orphanet 791, MedGen C1864446, MONDO:0011272, OMIM 602772.

Submissions (4):

Labcorp Genetics (formerly Invitae), Labcorp
Classification: Uncertain significance. Last evaluated: 2023-05-30. Review status: criteria provided, single submitter. Criteria: Invitae Variant Classification Sherloc (09022015). Collection method: clinical testing. Allele origin: germline.
Comment: In summary, the available evidence is currently insufficient to determine the role of this variant in disease. Therefore, it has been classified as a Variant of Uncertain Significance. Advanced modeling of protein sequence and biophysical properties (such as structural, functional, and spatial information, amino acid conservation, physicochemical variation, residue mobility, and thermodynamic stability) has been performed at Invitae for this missense variant, however the output from this modeling did not meet the statistical confidence thresholds required to predict the impact of this variant on EYS protein function. ClinVar contains an entry for this variant (Variation ID: 1065717). This variant has not been reported in the literature in individuals affected with EYS-related conditions. This variant is not present in population databases (gnomAD no frequency). This sequence change replaces phenylalanine, which is neutral and non-polar, with valine, which is neutral and non-polar, at codon 2747 of the EYS protein (p.Phe2747Val).

Blueprint Genetics
Classification: Uncertain significance. Last evaluated: 2022-11-11. Review status: criteria provided, single submitter. Criteria: ACMG Guidelines, 2015. Collection method: clinical testing. Allele origin: germline.

GeneDx
Classification: Uncertain significance. Last evaluated: 2021-10-20. Review status: criteria provided, single submitter. Criteria: GeneDx Variant Classification Process June 2021. Collection method: clinical testing. Allele origin: germline. Affected: yes.
Comment: Not observed at significant frequency in large population cohorts (gnomAD); In silico analysis supports that this missense variant does not alter protein structure/function; Has not been previously published as pathogenic or benign to our knowledge

Ocular Genomics Institute, Massachusetts Eye and Ear
Classification: Uncertain significance for Retinitis pigmentosa 25. Last evaluated: 2021-04-08. Review status: criteria provided, single submitter. Criteria: ACMG Guidelines, 2015. Collection method: research. Allele origin: germline. Affected: yes.
Comment: Through a review of available evidence we were able to apply the following criteria: PM2, PP3. Based on this evidence we have classified this variant as Variant of Uncertain Significance.